The following is an entry in ClinVar:

ClinVar aggregate classification (germline): Uncertain significance (1 of 4 stars; one submission).

Conditions:
KBG syndrome (KBGS). Also called: ANKRD11-Related KBG Syndrome. Identifiers: Orphanet 2332, MedGen C0220687, MONDO:0007846, OMIM 148050.

Submission:

Labcorp Genetics (formerly Invitae), Labcorp
Classification: Uncertain significance for KBG syndrome. Last evaluated: 2025-11-12. Review status: criteria provided, single submitter. Criteria: Invitae Variant Classification Sherloc (09022015). Collection method: clinical testing. Allele origin: germline.
Comment: This sequence change replaces glycine, which is neutral and non-polar, with arginine, which is basic and polar, at codon 1093 of the ANKRD11 protein (p.Gly1093Arg). This variant is not present in population databases (gnomAD no frequency). This variant has not been reported in the literature in individuals affected with ANKRD11-related conditions. Invitae Evidence Modeling of protein sequence and biophysical properties (such as structural, functional, and spatial information, amino acid conservation, physicochemical variation, residue mobility, and thermodynamic stability) indicates that this missense variant is not expected to disrupt ANKRD11 protein function with a negative predictive value of 95%. In summary, the available evidence is currently insufficient to determine the role of this variant in disease. Therefore, it has been classified as a Variant of Uncertain Significance.

NM_013275.6(ANKRD11):c.3277G>C (p.Gly1093Arg)

Gene: ANKRD11 (ankyrin repeat domain 11; minus strand). Cytogenetic location: 16q24.3.
Variant type: single nucleotide variant.
Coding change: c.3277G>C on transcript NM_013275.6 (MANE Select); coding-DNA position 3277, G replaced by C.
Protein change: p.Gly1093Arg; replaces glycine 1093 with arginine.
Molecular consequence: missense variant.
Genome position (GRCh38, 1-based): chr16:89,283,265, C>G on the plus strand (G>C on the coding strand, the complement: ANKRD11 is on the minus strand). VCF-style: chr16-89283265-C-G. GRCh37 (hg19) VCF-style: chr16-89349673-C-G.
Other names: c.3277G>C, p.Gly1093Arg (NM_001256182.2, NM_001256183.2); short protein forms G1093R.
Identifiers: ClinVar variation 4802805 (VCV004802805.1).